The following is an entry in ClinVar:

NM_000051.4(ATM):c.8210C>T (p.Thr2737Ile)

Genes: ATM (ATM serine/threonine kinase; plus strand), C11orf65 (chromosome 11 open reading frame 65; minus strand). Cytogenetic location: 11q22.3.
Variant type: single nucleotide variant.
Coding change: c.8210C>T on transcript NM_000051.4 (MANE Select); coding-DNA position 8210, C replaced by T.
Protein change: p.Thr2737Ile; replaces threonine 2737 with isoleucine.
Molecular consequence: missense variant. On other transcripts: intron variant (2).
Genome position (GRCh38, 1-based): chr11:108,335,903, C>T. VCF-style: chr11-108335903-C-T. GRCh37 (hg19) VCF-style: chr11-108206630-C-T.
Other names: c.8210C>T, p.Thr2737Ile (NM_001351834.2); c.641-26832G>A (NM_001330368.2); c.695-611G>A (NM_001351110.2); short protein forms T2737I.
Identifiers: ClinVar variation 1356643 (VCV001356643.8), dbSNP rs2086793204, ClinGen allele CA382562586.

ClinVar aggregate classification (germline): Uncertain significance (1 of 4 stars; one submission).

Conditions:
Ataxia-telangiectasia syndrome (AT). Also called: Ataxia-telangiectasia; LOUIS-BAR SYNDROME; Ataxia-telangiectasia, complementation group D; AT, COMPLEMENTATION GROUP C; ATAXIA-TELANGIECTASIA, COMPLEMENTATION GROUP A; ATAXIA-TELANGIECTASIA, FRESNO VARIANT. Identifiers: Orphanet 100, MedGen C0004135, MONDO:0008840, OMIM 208900.

Submission:

Labcorp Genetics (formerly Invitae), Labcorp
Classification: Uncertain significance for Ataxia-telangiectasia syndrome. Last evaluated: 2021-04-21. Review status: criteria provided, single submitter. Criteria: Invitae Variant Classification Sherloc (09022015). Collection method: clinical testing. Allele origin: germline.
Comment: This sequence change replaces threonine with isoleucine at codon 2737 of the ATM protein (p.Thr2737Ile). The threonine residue is moderately conserved and there is a moderate physicochemical difference between threonine and isoleucine. This variant is not present in population databases (ExAC no frequency). This variant has not been reported in the literature in individuals with ATM-related conditions. Algorithms developed to predict the effect of missense changes on protein structure and function are either unavailable or do not agree on the potential impact of this missense change (SIFT: "Deleterious"; PolyPhen-2: "Benign"; Align-GVGD: "Class C0"). In summary, the available evidence is currently insufficient to determine the role of this variant in disease. Therefore, it has been classified as a Variant of Uncertain Significance.